The following is an entry in ClinVar:

NM_006852.6(TLK2):c.1550+1G>A

Gene: TLK2 (tousled like kinase 2; plus strand). Cytogenetic location: 17q23.2.
Variant type: single nucleotide variant.
Coding change: c.1550+1G>A on transcript NM_006852.6 (MANE Select); the canonical splice donor site of the intron after coding-DNA position 1550, G replaced by A.
Molecular consequence: splice donor variant.
Genome position (GRCh38, 1-based): chr17:62,596,675, G>A. VCF-style: chr17-62596675-G-A. GRCh37 (hg19) VCF-style: chr17-60674036-G-A.
Other names: c.1550+1G>A (NM_001375271.1, NM_001375270.1); c.1103+1G>A (NM_001375273.1, NM_001330418.3); c.1454+1G>A (NM_001375272.1, NM_001284363.1); c.1265+1G>A (NM_001411074.1); c.1616+1G>A (NM_001284333.3); c.1592+1G>A (NM_001375269.1).
Identifiers: ClinVar variation 1194423 (VCV001194423.12), dbSNP rs2147105351, ClinGen allele CA400509642.

ClinVar aggregate classification (germline): Pathogenic/Likely pathogenic. Review status: criteria provided, multiple submitters, no conflicts (2 of 4 stars). 5 submissions from 5 submitters: Pathogenic (3); Likely pathogenic (2). Last evaluated 2025-11-09.

Conditions:
Intellectual developmental disorder, autosomal dominant 57. Also called: MENTAL RETARDATION, AUTOSOMAL DOMINANT 57; Intellectual disability, autosomal dominant 57. Identifiers: MedGen C4748003, MONDO:0054837, OMIM 618050.

Submissions (5):

Dasa
Classification: Likely pathogenic. Last evaluated: 2025-11-09. Review status: criteria provided, single submitter. Criteria: DASA Assertion Criteria. Collection method: clinical testing. Allele origin: germline.
Comment: NM_006852.6(TLK2):c.1550+1G>A affects a canonical splice site and is predicted to disrupt normal RNA splicing. Loss of function is an established disease mechanism for TLK2-associated disorders. This variant has been reported in individuals with TLK2-related disorders (PMID: 29861108). Also, this variant is absent from population databases. Based on the currently available evidence, this variant is classified as likely pathogenic.

GeneDx
Classification: Pathogenic. Last evaluated: 2021-11-23. Review status: criteria provided, single submitter. Criteria: GeneDx Variant Classification Process June 2021. Collection method: clinical testing. Allele origin: germline. Affected: yes.
Comment: Canonical splice site variant expected to result in aberrant splicing, although in the absence of functional evidence the actual effect of this sequence change is unknown.; Not observed in large population cohorts (Lek et al., 2016); This variant is associated with the following publications: (PMID: 29861108)

3billion
Classification: Likely pathogenic for Intellectual developmental disorder, autosomal dominant 57. Last evaluated: 2021-10-02. Review status: criteria provided, single submitter. Criteria: ACMG Guidelines, 2015. Collection method: clinical testing. Allele origin: unknown. Affected: yes. Observed: 1 heterozygote.
Comment: Canonical splice site: predicted to alter splicing and result in a loss or disruption of normal protein function through nonsense-mediated decay (NMD) or protein truncation. Multiple pathogenic variants are reported downstream of the variant (PVS1_VS). It is not observed in the gnomAD v2.1.1 dataset (PM2). Therefore, this variant is classified as likely pathogenic according to the recommendation of ACMG/AMP guideline.

Revvity Omics, Revvity
Classification: Pathogenic for Intellectual developmental disorder, autosomal dominant 57. Last evaluated: 2021-03-11. Review status: criteria provided, single submitter. Criteria: ACMG Guidelines, 2015. Collection method: clinical testing. Allele origin: germline.

Centre de Biologie Pathologie Génétique, Centre Hospitalier Universitaire de Lille
Classification: Pathogenic for Intellectual developmental disorder, autosomal dominant 57. Review status: criteria provided, single submitter. Criteria: ACMG Guidelines, 2015. Collection method: clinical testing. Allele origin: inherited. Affected: yes.

Literature cited by the submitters: PubMed 29861108 (cited by Dasa).